The following is an entry in ClinVar:

ClinVar aggregate classification (germline): Uncertain significance (1 of 4 stars; one submission).

Conditions:
Myofibrillar myopathy 5. Also called: FILAMINOPATHY, AUTOSOMAL DOMINANT; Filaminopathy (type). Identifiers: Orphanet 171445, MedGen C1836050, MONDO:0012289, OMIM 609524.
Hypertrophic cardiomyopathy 26. Also called: Cardiomyopathy, familial hypertrophic, 26. Identifiers: Orphanet 75249, MedGen C4310749, MONDO:0014883, OMIM 617047.
Distal myopathy with posterior leg and anterior hand involvement. Also called: WILLIAMS DISTAL MYOPATHY. Identifiers: Orphanet 63273, MedGen C3279722, MONDO:0013550, OMIM 614065.

Submission:

Labcorp Genetics (formerly Invitae), Labcorp
Classification: Uncertain significance for Distal myopathy with posterior leg and anterior hand involvement; Myofibrillar myopathy 5; Hypertrophic cardiomyopathy 26. Last evaluated: 2022-06-13. Review status: criteria provided, single submitter. Criteria: Invitae Variant Classification Sherloc (09022015). Collection method: clinical testing. Allele origin: germline.
Comment: Algorithms developed to predict the effect of missense changes on protein structure and function (SIFT, PolyPhen-2, Align-GVGD) all suggest that this variant is likely to be tolerated. In summary, the available evidence is currently insufficient to determine the role of this variant in disease. Therefore, it has been classified as a Variant of Uncertain Significance. This variant has not been reported in the literature in individuals affected with FLNC-related conditions. This variant is not present in population databases (gnomAD no frequency). This sequence change replaces threonine, which is neutral and polar, with serine, which is neutral and polar, at codon 1148 of the FLNC protein (p.Thr1148Ser).

NM_001458.5(FLNC):c.3443C>G (p.Thr1148Ser)

Gene: FLNC (filamin C; plus strand). Cytogenetic location: 7q32.1.
Variant type: single nucleotide variant.
Coding change: c.3443C>G on transcript NM_001458.5 (MANE Select); coding-DNA position 3443, C replaced by G.
Protein change: p.Thr1148Ser; replaces threonine 1148 with serine.
Molecular consequence: missense variant.
Genome position (GRCh38, 1-based): chr7:128,844,908, C>G. VCF-style: chr7-128844908-C-G. GRCh37 (hg19) VCF-style: chr7-128484962-C-G.
Other names: c.3443C>G, p.Thr1148Ser (NM_001127487.2); short protein forms T1148S.
Identifiers: ClinVar variation 1948299 (VCV001948299.5), dbSNP rs2128936430, ClinGen allele CA369196915.